The following is an entry in ClinVar:

NM_000157.4(GBA1):c.242G>A (p.Ser81Asn)

Genes: GBA1 (glucosylceramidase beta 1; minus strand), LOC106627981 (GBA recombination region; plus strand). Cytogenetic location: 1q22.
Variant type: single nucleotide variant.
Coding change: c.242G>A on transcript NM_000157.4 (MANE Select); coding-DNA position 242, G replaced by A.
Protein change: p.Ser81Asn; replaces serine 81 with asparagine.
Molecular consequence: missense variant. On other transcripts: 5 prime UTR variant (1).
Genome position (GRCh38, 1-based): chr1:155,239,951, C>T on the plus strand (G>A on the coding strand, the complement: GBA1 is on the minus strand). VCF-style: chr1-155239951-C-T. GRCh37 (hg19) VCF-style: chr1-155209742-C-T.
Other names: p.Ser81Asn; c.242G>A, p.Ser81Asn (NM_001005741.3, NM_001005742.3, NM_001171812.2); c.-20G>A (NM_001171811.2); short protein forms S81N.
Identifiers: ClinVar variation 4823895 (VCV004823895.1).

ClinVar aggregate classification (germline): Likely pathogenic (1 of 4 stars; one submission).

Conditions:
Gaucher disease type II (GD2). Also called: GAUCHER DISEASE, ACUTE NEURONOPATHIC TYPE; GD II; Acute neuronopathic Gaucher's disease; Type 2 Gaucher disease (Acute; Infantile). Identifiers: Orphanet 77260, MedGen C0268250, MONDO:0009266, OMIM 230900.

Submission:

Foundation for Research in Genetics and Endocrinology, FRIGE's Institute of Human Genetics
Classification: Likely pathogenic for Gaucher disease type II. Last evaluated: 2016-04-02. Review status: criteria provided, single submitter. Criteria: ACMG Guidelines, 2015. Collection method: clinical testing. Allele origin: germline. Inheritance: Autosomal recessive inheritance. Affected: yes. Observed: 1 variant allele, 1 compound heterozygote.
Comment: A heterozygous missense variant in exon 3 of the GBA1 gene that results in the amino acid substitution of Asparagine for Serine at codon 81 was detected. The observed variant c.242G>A has not been reported in the 1000 genomes and gnomAD databases. The in-silico prediction of the variant is deleterious by MutationTaster2, DANN. In summary, the variant meets our criteria to be classified as likely pathogenic